The following is an entry in ClinVar:

ClinVar aggregate classification (germline): Uncertain significance (1 of 4 stars; one submission).

Conditions:
Charcot-Marie-Tooth disease axonal type 2C (HMSN2C). Also called: Charcot-Marie-Tooth Disease Type 2, TRPV4-Related (CMT2C); CHARCOT-MARIE-TOOTH DISEASE, AXONAL, AUTOSOMAL DOMINANT, TYPE 2C; Charcot-Marie-Tooth Neuropathy Type 2C. Identifiers: Orphanet 99937, MedGen C1853710, MONDO:0011633, OMIM 606071.

Allele frequency attached by ClinVar (database versions not stated): TOPMed 0.00001.
gnomAD v4.1: 3 of 1,613,952 alleles (0.00019%); highest among the groups gnomAD compares: Non-Finnish European, 0.00025%; no homozygotes.

Submission:

Labcorp Genetics (formerly Invitae), Labcorp
Classification: Uncertain significance for Charcot-Marie-Tooth disease axonal type 2C. Last evaluated: 2022-12-10. Review status: criteria provided, single submitter. Criteria: Invitae Variant Classification Sherloc (09022015). Collection method: clinical testing. Allele origin: germline.
Comment: Advanced modeling of protein sequence and biophysical properties (such as structural, functional, and spatial information, amino acid conservation, physicochemical variation, residue mobility, and thermodynamic stability) performed at Invitae indicates that this missense variant is not expected to disrupt TRPV4 protein function. In summary, the available evidence is currently insufficient to determine the role of this variant in disease. Therefore, it has been classified as a Variant of Uncertain Significance. This sequence change replaces arginine, which is basic and polar, with leucine, which is neutral and non-polar, at codon 68 of the TRPV4 protein (p.Arg68Leu). This variant is present in population databases (rs747215384, gnomAD 0.002%). This variant has not been reported in the literature in individuals affected with TRPV4-related conditions. ClinVar contains an entry for this variant (Variation ID: 1003370).

NM_021625.5(TRPV4):c.203G>T (p.Arg68Leu)

Gene: TRPV4 (transient receptor potential cation channel subfamily V member 4; minus strand). Cytogenetic location: 12q24.11.
Variant type: single nucleotide variant.
Coding change: c.203G>T on transcript NM_021625.5 (MANE Select); coding-DNA position 203, G replaced by T.
Protein change: p.Arg68Leu; replaces arginine 68 with leucine.
Molecular consequence: missense variant.
Genome position (GRCh38, 1-based): chr12:109,814,594, C>A on the plus strand (G>T on the coding strand, the complement: TRPV4 is on the minus strand). VCF-style: chr12-109814594-C-A. GRCh37 (hg19) VCF-style: chr12-110252399-C-A.
Other names: c.203G>T, p.Arg68Leu (NM_001177428.2, NM_001177433.2, NM_147204.3); c.101G>T, p.Arg34Leu (NM_001177431.2); short protein forms R34L, R68L.
Identifiers: ClinVar variation 1003370 (VCV001003370.9), dbSNP rs747215384, ClinGen allele CA6780594.